The following is an entry in ClinVar:

NM_001211.6(BUB1B):c.1393G>C (p.Gly465Arg)

Gene: BUB1B (BUB1 mitotic checkpoint serine/threonine kinase B; plus strand). Cytogenetic location: 15q15.1.
Variant type: single nucleotide variant.
Coding change: c.1393G>C on transcript NM_001211.6 (MANE Select); coding-DNA position 1393, G replaced by C.
Protein change: p.Gly465Arg; replaces glycine 465 with arginine.
Molecular consequence: missense variant.
Genome position (GRCh38, 1-based): chr15:40,199,719, G>C. VCF-style: chr15-40199719-G-C. GRCh37 (hg19) VCF-style: chr15-40491920-G-C.
Other names: short protein forms G465R.
Identifiers: ClinVar variation 848822 (VCV000848822.12), dbSNP rs948366328, ClinGen allele CA391689260.

ClinVar aggregate classification (germline): Uncertain significance. Review status: criteria provided, multiple submitters, no conflicts (2 of 4 stars). 2 submissions from 2 submitters: Uncertain significance (2). Last evaluated 2024-03-07.

Conditions:
Inborn genetic diseases. Identifiers: MedGen C0950123, MeSH D030342.
Mosaic variegated aneuploidy syndrome 1 (MVA1). Also called: Warburton-Anyane-Yeboa syndrome. Identifiers: Orphanet 1052, MedGen C1850343, MONDO:0009759, OMIM 257300.

Allele frequency attached by ClinVar (database versions not stated): gnomAD exomes below 0.00001.
gnomAD v4.1: 4 of 1,611,316 alleles (0.00025%); highest among the groups gnomAD compares: African/African-American, 0.0027%; no homozygotes.

Submissions (2):

Ambry Genetics
Classification: Uncertain significance for Inborn genetic diseases. Last evaluated: 2024-03-07. Review status: criteria provided, single submitter. Criteria: Ambry Variant Classification Scheme 2023. Collection method: clinical testing. Allele origin: germline.
Comment: The p.G465R variant (also known as c.1393G>C), located in coding exon 10 of the BUB1B gene, results from a G to C substitution at nucleotide position 1393. The glycine at codon 465 is replaced by arginine, an amino acid with dissimilar properties. This amino acid position is conserved. In addition, this alteration is predicted to be tolerated by in silico analysis. Based on the available evidence, the clinical significance of this alteration remains unclear.

Labcorp Genetics (formerly Invitae), Labcorp
Classification: Uncertain significance for Mosaic variegated aneuploidy syndrome 1. Last evaluated: 2022-08-16. Review status: criteria provided, single submitter. Criteria: Invitae Variant Classification Sherloc (09022015). Collection method: clinical testing. Allele origin: germline.
Comment: In summary, the available evidence is currently insufficient to determine the role of this variant in disease. Therefore, it has been classified as a Variant of Uncertain Significance. Algorithms developed to predict the effect of sequence changes on RNA splicing suggest that this variant may disrupt the consensus splice site. Algorithms developed to predict the effect of missense changes on protein structure and function (SIFT, PolyPhen-2, Align-GVGD) all suggest that this variant is likely to be tolerated. ClinVar contains an entry for this variant (Variation ID: 848822). This variant has not been reported in the literature in individuals affected with BUB1B-related conditions. This variant is not present in population databases (gnomAD no frequency). This sequence change replaces glycine, which is neutral and non-polar, with arginine, which is basic and polar, at codon 465 of the BUB1B protein (p.Gly465Arg).